The following is an entry in ClinVar:

NM_001845.6(COL4A1):c.1804C>T (p.Pro602Ser)

Gene: COL4A1 (collagen type IV alpha 1 chain; minus strand). Cytogenetic location: 13q34.
Variant type: single nucleotide variant.
Coding change: c.1804C>T on transcript NM_001845.6 (MANE Select); coding-DNA position 1804, C replaced by T.
Protein change: p.Pro602Ser; replaces proline 602 with serine.
Molecular consequence: missense variant.
Genome position (GRCh38, 1-based): chr13:110,186,478, G>A on the plus strand (C>T on the coding strand, the complement: COL4A1 is on the minus strand). VCF-style: chr13-110186478-G-A. GRCh37 (hg19) VCF-style: chr13-110838825-G-A.
Other names: c.1804C>T (NM_001845.4); short protein forms P602S.
Identifiers: ClinVar variation 1519344 (VCV001519344.20), dbSNP rs769247289, ClinGen allele CA7047823.

ClinVar aggregate classification (germline): Conflicting classifications of pathogenicity. Review status: criteria provided, conflicting classifications (1 of 4 stars). 3 submissions from 3 submitters: Uncertain significance (2); Likely benign (1). Last evaluated 2025-10-24.

Conditions:
Inborn genetic diseases. Identifiers: MedGen C0950123, MeSH D030342.

Allele frequency attached by ClinVar (database versions not stated): TOPMed 0.00001; gnomAD 0.00002.
gnomAD v4.1: 14 of 1,613,734 alleles (0.00087%); highest among the groups gnomAD compares: African/African-American, 0.008%; no homozygotes.

Submissions (3):

Ambry Genetics
Classification: Uncertain significance for Inborn genetic diseases. Last evaluated: 2025-10-24. Review status: criteria provided, single submitter. Criteria: Ambry Variant Classification Scheme 2023. Collection method: clinical testing. Allele origin: germline.

CeGaT Center for Human Genetics Tuebingen
Classification: Likely benign. Last evaluated: 2024-09-01. Review status: criteria provided, single submitter. Criteria: CeGaT Center For Human Genetics Tuebingen Variant Classification Criteria Version 2. Collection method: clinical testing. Allele origin: germline. Affected: yes. Observed: 1 variant allele.
Comment: COL4A1: BS2

Labcorp Genetics (formerly Invitae), Labcorp
Classification: Uncertain significance. Last evaluated: 2024-02-24. Review status: criteria provided, single submitter. Criteria: Invitae Variant Classification Sherloc (09022015). Collection method: clinical testing. Allele origin: germline.
Comment: This sequence change replaces proline, which is neutral and non-polar, with serine, which is neutral and polar, at codon 602 of the COL4A1 protein (p.Pro602Ser). This variant is present in population databases (rs769247289, gnomAD 0.007%). This variant has not been reported in the literature in individuals affected with COL4A1-related conditions. ClinVar contains an entry for this variant (Variation ID: 1519344). An algorithm developed to predict the effect of missense changes on protein structure and function (PolyPhen-2) suggests that this variant is likely to be tolerated. In summary, the available evidence is currently insufficient to determine the role of this variant in disease. Therefore, it has been classified as a Variant of Uncertain Significance.